The following is an entry in ClinVar:

ClinVar aggregate classification (germline): Uncertain significance. Review status: criteria provided, multiple submitters, no conflicts (2 of 4 stars). 2 submissions from 2 submitters: Uncertain significance (2). Last evaluated 2024-12-15.

Allele frequency attached by ClinVar (database versions not stated): TOPMed 0.00022; gnomAD 0.00023 and 0.00026; ExAC 0.00032; gnomAD exomes 0.00039; ESP Exome Variant Server 0.00046.
gnomAD v4.1: 388 of 1,613,976 alleles (0.024%); highest among the groups gnomAD compares: Non-Finnish European, 0.012%; 1 homozygote.

Submissions (2):

GeneDx
Classification: Uncertain significance. Last evaluated: 2024-12-15. Review status: criteria provided, single submitter. Criteria: GeneDx Variant Classification Process June 2021. Collection method: clinical testing. Allele origin: germline. Affected: yes.
Comment: Has not been previously published as pathogenic or benign to our knowledge; In silico analysis supports that this missense variant has a deleterious effect on protein structure/function

Breakthrough Genomics
Classification: Uncertain significance. Review status: criteria provided, single submitter. Criteria: ACMG Guidelines, 2015. Collection method: not provided. Allele origin: germline. Inheritance: Autosomal recessive inheritance. Affected: yes.

NM_001080483.3(MYMK):c.190G>A (p.Asp64Asn)

Gene: MYMK (myomaker, myoblast fusion factor; minus strand). Cytogenetic location: 9q34.2.
Variant type: single nucleotide variant.
Coding change: c.190G>A on transcript NM_001080483.3 (MANE Select); coding-DNA position 190, G replaced by A.
Protein change: p.Asp64Asn; replaces aspartic acid 64 with asparagine.
Molecular consequence: missense variant.
Genome position (GRCh38, 1-based): chr9:133,520,234, C>T on the plus strand (G>A on the coding strand, the complement: MYMK is on the minus strand). VCF-style: chr9-133520234-C-T. GRCh37 (hg19) VCF-style: chr9-136385356-C-T.
Other names: short protein forms D64N.
Identifiers: ClinVar variation 1190976 (VCV001190976.4), dbSNP rs149158465, ClinGen allele CA5312314.